The following is an entry in ClinVar:

ClinVar aggregate classification (germline): Uncertain significance. Review status: criteria provided, multiple submitters, no conflicts (2 of 4 stars). 3 submissions from 3 submitters: Uncertain significance (3). Last evaluated 2025-02-09.

Conditions:
Hereditary spastic paraplegia 30. Identifiers: Orphanet 101010, MedGen C5235139, MONDO:0012476.
Neuropathy, hereditary sensory, type 2C. Also called: Hereditary sensory and autonomic neuropathy type IIC; KIF1A-Related HSAN2 (HSAN2C). Identifiers: Orphanet 970, MedGen C3280168, MONDO:0013634, OMIM 614213.
Intellectual disability, autosomal dominant 9 (NESCAVS). Also called: NESCAV SYNDROME; KIF1A-Related Neurodevelopmental Disorder. Identifiers: Orphanet 662367, MedGen C5393830, MONDO:0013656, OMIM 614255.

Allele frequency attached by ClinVar (database versions not stated): gnomAD 0.00001; TOPMed 0.00001; gnomAD exomes 0.00002; ExAC 0.00003.
gnomAD v4.1: 15 of 1,603,588 alleles (0.00094%); highest among the groups gnomAD compares: East Asian, 0.0023%; no homozygotes.

Submissions (3):

Labcorp Genetics (formerly Invitae), Labcorp
Classification: Uncertain significance for Hereditary spastic paraplegia 30; Neuropathy, hereditary sensory, type 2C; Intellectual disability, autosomal dominant 9. Last evaluated: 2025-02-09. Review status: criteria provided, single submitter. Criteria: Invitae Variant Classification Sherloc (09022015). Collection method: clinical testing. Allele origin: germline.
Comment: This sequence change replaces proline, which is neutral and non-polar, with leucine, which is neutral and non-polar, at codon 1574 of the KIF1A protein (p.Pro1574Leu). This variant is present in population databases (rs779705838, gnomAD 0.006%). This variant has not been reported in the literature in individuals affected with KIF1A-related conditions. ClinVar contains an entry for this variant (Variation ID: 464257). An algorithm developed to predict the effect of missense changes on protein structure and function (PolyPhen-2) suggests that this variant is likely to be disruptive. In summary, the available evidence is currently insufficient to determine the role of this variant in disease. Therefore, it has been classified as a Variant of Uncertain Significance.

GeneDx
Classification: Uncertain significance. Last evaluated: 2021-07-02. Review status: criteria provided, single submitter. Criteria: GeneDx Variant Classification Process June 2021. Collection method: clinical testing. Allele origin: germline. Affected: yes.
Comment: In silico analysis supports that this missense variant has a deleterious effect on protein structure/function; Has not been previously published as pathogenic or benign to our knowledge; This variant is associated with the following publications: (PMID: 27535533)

Illumina Laboratory Services, Illumina
Classification: Uncertain significance for Spastic paraplegia 30A, autosomal dominant. Last evaluated: 2018-01-12. Review status: criteria provided, single submitter. Criteria: ICSL Variant Classification Criteria 13 December 2019. Collection method: clinical testing. Allele origin: germline.

NM_001244008.2(KIF1A):c.5024C>T (p.Pro1675Leu)

Gene: KIF1A (kinesin family member 1A; minus strand). Cytogenetic location: 2q37.3.
Variant type: single nucleotide variant.
Coding change: c.5024C>T on transcript NM_001244008.2 (MANE Select); coding-DNA position 5024, C replaced by T.
Protein change: p.Pro1675Leu; replaces proline 1675 with leucine.
Molecular consequence: missense variant.
Genome position (GRCh38, 1-based): chr2:240,719,196, G>A on the plus strand (C>T on the coding strand, the complement: KIF1A is on the minus strand). VCF-style: chr2-240719196-G-A. GRCh37 (hg19) VCF-style: chr2-241658613-G-A.
Other names: c.4748C>T, p.Pro1583Leu (NM_001320705.2, NM_001379649.1); c.4775C>T, p.Pro1592Leu (NM_001330289.2); c.4823C>T, p.Pro1608Leu (NM_001330290.2, NM_001379648.1); c.5099C>T, p.Pro1700Leu (NM_001379631.1); c.5000C>T, p.Pro1667Leu (NM_001379632.1); c.4997C>T, p.Pro1666Leu (NM_001379633.1, NM_001379645.1); c.4850C>T, p.Pro1617Leu (NM_001379634.1); c.4847C>T, p.Pro1616Leu (NM_001379635.1, NM_001379646.1); and 7 more; short protein forms P1574L, P1675L, P1592L, P1583L, P1608L, P1573L, P1582L, P1591L.
Identifiers: ClinVar variation 464257 (VCV000464257.14), dbSNP rs779705838, ClinGen allele CA2207194.
Genomic context (GRCh38, chr2:240,719,196, plus strand): 5'-CTGGCCCAGCCTGACGTGTGCGGCTCCAGGAAGTGCAGGTACCCCTTCTTGGAAACGATC[G>A]GGCTGAAGGCAGAGAGAGCTGCTCGCTGGGGCCCTCGGTGGGGGCAGCGACTGACTCGGG-3'
Protein context (NP_001230937.1, residues 1665-1685): VPDIQEIRVS[Pro1675Leu]IVSKKGYLHF